The following is an entry in ClinVar:

NM_001845.6(COL4A1):c.4870T>C (p.Tyr1624His)

Gene: COL4A1 (collagen type IV alpha 1 chain; minus strand). Cytogenetic location: 13q34.
Variant type: single nucleotide variant.
Coding change: c.4870T>C on transcript NM_001845.6 (MANE Select); coding-DNA position 4870, T replaced by C.
Protein change: p.Tyr1624His; replaces tyrosine 1624 with histidine.
Molecular consequence: missense variant.
Genome position (GRCh38, 1-based): chr13:110,152,392, A>G on the plus strand (T>C on the coding strand, the complement: COL4A1 is on the minus strand). VCF-style: chr13-110152392-A-G. GRCh37 (hg19) VCF-style: chr13-110804739-A-G.
Other names: short protein forms Y1624H.
Identifiers: ClinVar variation 2016676 (VCV002016676.6), dbSNP rs2501716357, ClinGen allele CA388654227.

ClinVar aggregate classification (germline): Uncertain significance. Review status: criteria provided, multiple submitters, no conflicts (2 of 4 stars). 2 submissions from 2 submitters: Uncertain significance (2). Last evaluated 2022-08-12.

Conditions:
Autosomal dominant familial hematuria-retinal arteriolar tortuosity-contractures syndrome. Also called: Hereditary Angiopathy with Nephropathy, Aneurysms, and Muscle Cramps (HANAC) Syndrome; Angiopathy, hereditary, with nephropathy, aneurysms, and muscle cramps. Identifiers: Orphanet 73229, MedGen C2673195, MONDO:0012726, OMIM 611773.
Brain small vessel disease 1 with or without ocular anomalies (BSVD1). Also called: PORENCEPHALY, TYPE 1, AUTOSOMAL DOMINANT; BRAIN SMALL VESSEL DISEASE WITH HEMORRHAGE; Brain small vessel disease with or without ocular anomalies; GOULD SYNDROME 1. Identifiers: Orphanet 2940, Orphanet 36383, Orphanet 99810, MedGen C4755307, MONDO:0008289, OMIM 175780.
Hemorrhage, intracerebral, susceptibility to (ICH). Also called: Stroke, hemorrhagic, susceptibility to. Identifiers: MedGen C3281105, MONDO:0100533, OMIM 614519.
Retinal arterial tortuosity. Also called: RETINAL HEMORRHAGE WITH VASCULAR TORTUOSITY; Retinal arteries, tortuosity of. Identifiers: Orphanet 75326, MedGen C0423401, MONDO:0008373, OMIM 180000, HP:0000631.
Microangiopathy and leukoencephalopathy, pontine, autosomal dominant. Also called: Pontine autosomal dominant microangiopathy with leukoencephalopathy; DEMENTIA, HEREDITARY MULTI-INFARCT, SWEDISH TYPE. Identifiers: Orphanet 477749, MedGen C5231411, MONDO:0032814, OMIM 618564.

Submissions (2):

Labcorp Genetics (formerly Invitae), Labcorp
Classification: Uncertain significance. Last evaluated: 2022-08-12. Review status: criteria provided, single submitter. Criteria: Invitae Variant Classification Sherloc (09022015). Collection method: clinical testing. Allele origin: germline.
Comment: In summary, the available evidence is currently insufficient to determine the role of this variant in disease. Therefore, it has been classified as a Variant of Uncertain Significance. Algorithms developed to predict the effect of missense changes on protein structure and function are either unavailable or do not agree on the potential impact of this missense change (SIFT: "Deleterious"; PolyPhen-2: "Not Available"; Align-GVGD: "Class C65"). This variant has not been reported in the literature in individuals affected with COL4A1-related conditions. This variant is not present in population databases (gnomAD no frequency). This sequence change replaces tyrosine, which is neutral and polar, with histidine, which is basic and polar, at codon 1624 of the COL4A1 protein (p.Tyr1624His).

Juno Genomics, Hangzhou Juno Genomics, Inc
Classification: Uncertain significance for Retinal arterial tortuosity; Hemorrhage, intracerebral, susceptibility to; Autosomal dominant familial hematuria-retinal arteriolar tortuosity-contractures syndrome; Brain small vessel disease 1 with or without ocular anomalies; Microangiopathy and leukoencephalopathy, pontine, autosomal dominant. Review status: criteria provided, single submitter. Criteria: ACMG Guidelines, 2015. Collection method: clinical testing. Allele origin: germline.
Comment: Missense variant in a gene that has a low rate of benign missense variation.;Multiple lines of computational evidence support a deleterious effect on the gene or gene product.;Absent from controls (or at extremely low frequency if recessive) in Genome Aggregation Database.